The following is an entry in ClinVar:

ClinVar aggregate classification (germline): Uncertain significance (1 of 4 stars; one submission).

Allele frequency attached by ClinVar (database versions not stated): gnomAD exomes below 0.00001.
gnomAD v4.1: 1 of 1,613,882 alleles (0.000062%); highest among the groups gnomAD compares: Non-Finnish European, 0.000085%; no homozygotes.

Submission:

Labcorp Genetics (formerly Invitae), Labcorp
Classification: Uncertain significance. Last evaluated: 2022-02-08. Review status: criteria provided, single submitter. Criteria: Invitae Variant Classification Sherloc (09022015). Collection method: clinical testing. Allele origin: germline.
Comment: This variant has not been reported in the literature in individuals affected with LTBP4-related conditions. This variant is not present in population databases (gnomAD no frequency). This sequence change replaces proline, which is neutral and non-polar, with serine, which is neutral and polar, at codon 129 of the LTBP4 protein (p.Pro129Ser). Experimental studies and prediction algorithms are not available or were not evaluated, and the functional significance of this variant is currently unknown. In summary, the available evidence is currently insufficient to determine the role of this variant in disease. Therefore, it has been classified as a Variant of Uncertain Significance.

NM_001042545.2(LTBP4):c.295C>T (p.Pro99Ser)

Gene: LTBP4 (latent transforming growth factor beta binding protein 4; plus strand). Cytogenetic location: 19q13.2.
Variant type: single nucleotide variant.
Coding change: c.295C>T on transcript NM_001042545.2 (MANE Select); coding-DNA position 295, C replaced by T.
Protein change: p.Pro99Ser; replaces proline 99 with serine.
Molecular consequence: missense variant.
Genome position (GRCh38, 1-based): chr19:40,605,079, C>T. VCF-style: chr19-40605079-C-T. GRCh37 (hg19) VCF-style: chr19-41110985-C-T.
Other names: c.496C>T, p.Pro166Ser (NM_001042544.1); c.385C>T, p.Pro129Ser (NM_003573.2); short protein forms P129S, P99S, P166S.
Identifiers: ClinVar variation 1399799 (VCV001399799.6), dbSNP rs2146020312, ClinGen allele CA405932742.